The following is an entry in ClinVar:

ClinVar aggregate classification (germline): Uncertain significance (1 of 4 stars; one submission).

Allele frequency attached by ClinVar (database versions not stated): gnomAD exomes below 0.00001.
gnomAD v4.1: 3 of 1,211,732 alleles (0.00025%); highest among the groups gnomAD compares: Non-Finnish European, 0.00033%; no homozygotes.

Submission:

GeneDx
Classification: Uncertain significance. Last evaluated: 2025-12-17. Review status: criteria provided, single submitter. Criteria: GeneDx Variant Classification Process June 2021. Collection method: clinical testing. Allele origin: germline.
Comment: Not observed at significant frequency in large population cohorts (gnomAD); In silico analysis supports that this missense variant has a deleterious effect on protein structure/function; Has not been previously published as pathogenic or benign to our knowledge

NM_001291867.2(NHS):c.4492A>G (p.Arg1498Gly)

Gene: NHS (NHS actin remodeling regulator; plus strand). Cytogenetic location: Xp22.13.
Variant type: single nucleotide variant.
Coding change: c.4492A>G on transcript NM_001291867.2 (MANE Select); coding-DNA position 4492, A replaced by G.
Protein change: p.Arg1498Gly; replaces arginine 1498 with glycine.
Molecular consequence: missense variant.
Genome position (GRCh38, 1-based): chrX:17,732,000, A>G. VCF-style: chrX-17732000-A-G. GRCh37 (hg19) VCF-style: chrX-17750120-A-G.
Other names: c.3961A>G, p.Arg1321Gly (NM_001136024.4); c.3898A>G, p.Arg1300Gly (NM_001291868.2); c.4429A>G, p.Arg1477Gly (NM_198270.4); short protein forms R1300G, R1321G, R1477G, R1498G.
Identifiers: ClinVar variation 1698234 (VCV001698234.3), dbSNP rs2147148412, ClinGen allele CA412370594.